The following is an entry in ClinVar:

ClinVar aggregate classification (germline): Uncertain significance (1 of 4 stars; one submission).

Submission:

Labcorp Genetics (formerly Invitae), Labcorp
Classification: Uncertain significance. Last evaluated: 2023-07-27. Review status: criteria provided, single submitter. Criteria: Invitae Variant Classification Sherloc (09022015). Collection method: clinical testing. Allele origin: germline.
Comment: This sequence change falls in intron 14 of the TUBGCP4 gene. It does not directly change the encoded amino acid sequence of the TUBGCP4 protein. This variant is not present in population databases (gnomAD no frequency). This variant has not been reported in the literature in individuals affected with TUBGCP4-related conditions. Algorithms developed to predict the effect of sequence changes on RNA splicing suggest that this variant may disrupt the consensus splice site. In summary, the available evidence is currently insufficient to determine the role of this variant in disease. Therefore, it has been classified as a Variant of Uncertain Significance.

NM_014444.5(TUBGCP4):c.1597-8_1608dup

Gene: TUBGCP4 (tubulin gamma complex component 4; plus strand). Cytogenetic location: 15q15.3.
Variant type: Duplication.
Coding change: c.1597-8_1608dup on transcript NM_014444.5 (MANE Select); 8 bases into the intron before coding-DNA position 1597 through coding-DNA position 1608, 20 bases duplicated (TCTATCAGGTAGATGTGTTG).
Molecular consequence: splice acceptor variant.
Genome position (GRCh38, 1-based): chr15:43,401,708-43,401,727, TCTATCAGGTAGATGTGTTG duplicated; duplicating any 20 consecutive bases within chr15:43,401,706-43,401,727 gives the same sequence; the c. name uses the placement nearest the transcript's 3' end. VCF-style (leftmost placement, unchanged base first): chr15-43401705-A-ATGTCTATCAGGTAGATGTGT. GRCh37 (hg19) VCF-style: chr15-43693903-A-ATGTCTATCAGGTAGATGTGT.
Other names: c.1600-8_1611dup (NM_001286414.3).
Identifiers: ClinVar variation 2803379 (VCV002803379.3), dbSNP rs2543092134, ClinGen allele CA2739278815.